The following is an entry in ClinVar:

ClinVar aggregate classification (germline): Uncertain significance (1 of 4 stars; one submission).

Submission:

Labcorp Genetics (formerly Invitae), Labcorp
Classification: Uncertain significance. Last evaluated: 2023-07-07. Review status: criteria provided, single submitter. Criteria: Invitae Variant Classification Sherloc (09022015). Collection method: clinical testing. Allele origin: germline.
Comment: Advanced modeling of protein sequence and biophysical properties (such as structural, functional, and spatial information, amino acid conservation, physicochemical variation, residue mobility, and thermodynamic stability) performed at Invitae indicates that this missense variant is not expected to disrupt CUL7 protein function. In summary, the available evidence is currently insufficient to determine the role of this variant in disease. Therefore, it has been classified as a Variant of Uncertain Significance. ClinVar contains an entry for this variant (Variation ID: 2044415). This sequence change replaces asparagine, which is neutral and polar, with tyrosine, which is neutral and polar, at codon 1565 of the CUL7 protein (p.Asn1565Tyr). This variant is not present in population databases (gnomAD no frequency). This variant has not been reported in the literature in individuals affected with CUL7-related conditions.

NM_014780.5(CUL7):c.4693A>T (p.Asn1565Tyr)

Gene: CUL7 (cullin 7; minus strand). Cytogenetic location: 6p21.1.
Variant type: single nucleotide variant.
Coding change: c.4693A>T on transcript NM_014780.5 (MANE Select); coding-DNA position 4693, A replaced by T.
Protein change: p.Asn1565Tyr; replaces asparagine 1565 with tyrosine.
Molecular consequence: missense variant.
Genome position (GRCh38, 1-based): chr6:43,038,347, T>A on the plus strand (A>T on the coding strand, the complement: CUL7 is on the minus strand). VCF-style: chr6-43038347-T-A. GRCh37 (hg19) VCF-style: chr6-43006085-T-A.
Other names: c.4789A>T, p.Asn1597Tyr (NM_001168370.2, NM_001374872.1); c.4705A>T, p.Asn1569Tyr (NM_001374873.1); c.4690A>T, p.Asn1564Tyr (NM_001374874.1); short protein forms N1597Y, N1564Y, N1569Y, N1565Y.
Identifiers: ClinVar variation 2044415 (VCV002044415.4), dbSNP rs2532577618, ClinGen allele CA364186090.